The following is an entry in ClinVar:

ClinVar aggregate classification (germline): Uncertain significance (1 of 4 stars; one submission).

Conditions:
Primary ciliary dyskinesia 30. Also called: CILIARY DYSKINESIA, PRIMARY, 30, WITH OR WITHOUT SITUS INVERSUS. Identifiers: Orphanet 244, MedGen C4015016, MONDO:0014465, OMIM 616037.

Allele frequency attached by ClinVar (database versions not stated): TOPMed below 0.00001; gnomAD exomes 0.00001 and 0.00003; ExAC 0.00006.
gnomAD v4.1: 7 of 1,613,968 alleles (0.00043%); highest among the groups gnomAD compares: Admixed American, 0.012%; no homozygotes.

Submission:

Labcorp Genetics (formerly Invitae), Labcorp
Classification: Uncertain significance for Primary ciliary dyskinesia 30. Last evaluated: 2024-04-25. Review status: criteria provided, single submitter. Criteria: Invitae Variant Classification Sherloc (09022015). Collection method: clinical testing. Allele origin: germline.
Comment: This sequence change replaces serine, which is neutral and polar, with phenylalanine, which is neutral and non-polar, at codon 24 of the CCDC151 protein (p.Ser24Phe). This variant is present in population databases (rs771969433, gnomAD 0.02%). This variant has not been reported in the literature in individuals affected with CCDC151-related conditions. ClinVar contains an entry for this variant (Variation ID: 1682798). An algorithm developed to predict the effect of missense changes on protein structure and function (PolyPhen-2) suggests that this variant is likely to be disruptive. In summary, the available evidence is currently insufficient to determine the role of this variant in disease. Therefore, it has been classified as a Variant of Uncertain Significance.

NM_145045.5(ODAD3):c.71C>T (p.Ser24Phe)

Gene: ODAD3 (outer dynein arm docking complex subunit 3; minus strand). Cytogenetic location: 19p13.2.
Variant type: single nucleotide variant.
Coding change: c.71C>T on transcript NM_145045.5 (MANE Select); coding-DNA position 71, C replaced by T.
Protein change: p.Ser24Phe; replaces serine 24 with phenylalanine.
Molecular consequence: missense variant. On other transcripts: intron variant (1).
Genome position (GRCh38, 1-based): chr19:11,434,946, G>A on the plus strand (C>T on the coding strand, the complement: ODAD3 is on the minus strand). VCF-style: chr19-11434946-G-A. GRCh37 (hg19) VCF-style: chr19-11545767-G-A.
Other names: c.71C>T, p.Ser24Phe (NM_001302454.2); c.82+744C>T (NM_001302453.1); short protein forms S24F.
Identifiers: ClinVar variation 1682798 (VCV001682798.5), dbSNP rs771969433, ClinGen allele CA9212567.
Genomic context (GRCh38, chr19:11,434,946, plus strand): 5'-GTGCCCTTGCCTCGGAGGTGGCTGGGTTTGCCCGAAGCCTCCCTGCCCTTGACCCTGGAA[G>A]AGGGCGTCGAAGCCTGGTCCTGAGGAGGCAGGGCGTTGGCGGAGGCCGCCCTGCACAGAG-3'
Protein context (NP_659482.3, residues 14-34): LPPQDQASTP[Ser24Phe]SRVKGREASG